The following is an entry in ClinVar:

ClinVar aggregate classification (germline): Uncertain significance (1 of 4 stars; one submission).

Conditions:
Fanconi anemia (FA). Also called: Fanconi's anemia. Identifiers: Orphanet 84, MedGen C0015625, MeSH D005199, MONDO:0019391.

Submission:

Labcorp Genetics (formerly Invitae), Labcorp
Classification: Uncertain significance for Fanconi anemia. Last evaluated: 2023-01-02. Review status: criteria provided, single submitter. Criteria: Invitae Variant Classification Sherloc (09022015). Collection method: clinical testing. Allele origin: germline.
Comment: In summary, the available evidence is currently insufficient to determine the role of this variant in disease. Therefore, it has been classified as a Variant of Uncertain Significance. Advanced modeling of protein sequence and biophysical properties (such as structural, functional, and spatial information, amino acid conservation, physicochemical variation, residue mobility, and thermodynamic stability) performed at Invitae indicates that this missense variant is not expected to disrupt FANCI protein function. This variant has not been reported in the literature in individuals affected with FANCI-related conditions. This variant is not present in population databases (gnomAD no frequency). This sequence change replaces lysine, which is basic and polar, with arginine, which is basic and polar, at codon 402 of the FANCI protein (p.Lys402Arg).

NM_001113378.2(FANCI):c.1205A>G (p.Lys402Arg)

Gene: FANCI (FA complementation group I; plus strand). Cytogenetic location: 15q26.1.
Variant type: single nucleotide variant.
Coding change: c.1205A>G on transcript NM_001113378.2 (MANE Select); coding-DNA position 1205, A replaced by G.
Protein change: p.Lys402Arg; replaces lysine 402 with arginine.
Molecular consequence: missense variant.
Genome position (GRCh38, 1-based): chr15:89,276,803, A>G. VCF-style: chr15-89276803-A-G. GRCh37 (hg19) VCF-style: chr15-89820034-A-G.
Other names: c.926A>G, p.Lys309Arg (NM_001376910.1); c.1205A>G, p.Lys402Arg (NM_001376911.1, NM_018193.3); short protein forms K402R, K309R.
Identifiers: ClinVar variation 2825901 (VCV002825901.3), dbSNP rs2506450540, ClinGen allele CA393742252.